The following is an entry in ClinVar:

ClinVar aggregate classification (germline): Uncertain significance (1 of 4 stars; one submission).

Allele frequency attached by ClinVar (database versions not stated): TOPMed below 0.00001; gnomAD 0.00002.
gnomAD v4.1: 2 of 1,199,947 alleles (0.00017%); highest among the groups gnomAD compares: Non-Finnish European, 0.00023%; no homozygotes.

Submission:

Labcorp Genetics (formerly Invitae), Labcorp
Classification: Uncertain significance. Last evaluated: 2025-06-02. Review status: criteria provided, single submitter. Criteria: Invitae Variant Classification Sherloc (09022015). Collection method: clinical testing. Allele origin: germline.
Comment: This sequence change replaces threonine, which is neutral and polar, with alanine, which is neutral and non-polar, at codon 754 of the STAG2 protein (p.Thr754Ala). This variant is not present in population databases (gnomAD no frequency). This variant has not been reported in the literature in individuals affected with STAG2-related conditions. ClinVar contains an entry for this variant (Variation ID: 1473240). Invitae Evidence Modeling of protein sequence and biophysical properties (such as structural, functional, and spatial information, amino acid conservation, physicochemical variation, residue mobility, and thermodynamic stability) indicates that this missense variant is not expected to disrupt STAG2 protein function with a negative predictive value of 80%. In summary, the available evidence is currently insufficient to determine the role of this variant in disease. Therefore, it has been classified as a Variant of Uncertain Significance.

NM_001042750.2(STAG2):c.2260A>G (p.Thr754Ala)

Gene: STAG2 (STAG2 cohesin complex component; plus strand). Cytogenetic location: Xq25.
Variant type: single nucleotide variant.
Coding change: c.2260A>G on transcript NM_001042750.2 (MANE Select); coding-DNA position 2260, A replaced by G.
Protein change: p.Thr754Ala; replaces threonine 754 with alanine.
Molecular consequence: missense variant.
Genome position (GRCh38, 1-based): chrX:124,066,431, A>G. VCF-style: chrX-124066431-A-G. GRCh37 (hg19) VCF-style: chrX-123200281-A-G.
Other names: c.2260A>G, p.Thr754Ala (NM_001042749.2, NM_001042751.2, NM_001282418.2 and 13 more transcripts); short protein forms T754A.
Identifiers: ClinVar variation 1473240 (VCV001473240.8), dbSNP rs1397467148, ClinGen allele CA414274938.